The following is an entry in ClinVar:

NM_001267550.2(TTN):c.96353C>A (p.Ser32118Ter)

Genes: TTN (titin; minus strand), TTN-AS1 (TTN antisense RNA 1; plus strand), LOC126806421 (CDK7 strongly-dependent group 2 enhancer GRCh37_chr2:179407630-179408829; plus strand). Cytogenetic location: 2q31.2.
Variant type: single nucleotide variant.
Coding change: c.96353C>A on transcript NM_001267550.2 (MANE Select); coding-DNA position 96353, C replaced by A.
Protein change: p.Ser32118Ter; replaces serine 32118 with a stop codon.
Molecular consequence: nonsense.
Genome position (GRCh38, 1-based): chr2:178,543,620, G>T on the plus strand (C>A on the coding strand, the complement: TTN is on the minus strand). VCF-style: chr2-178543620-G-T. GRCh37 (hg19) VCF-style: chr2-179408347-G-T.
Other names: c.91430C>A, p.Ser30477Ter (NM_001256850.1); c.69158C>A, p.Ser23053Ter (NM_003319.4); c.88649C>A, p.Ser29550Ter (NM_133378.4); c.69533C>A, p.Ser23178Ter (NM_133432.3); c.69734C>A, p.Ser23245Ter (NM_133437.4); short protein forms S23053*, S23178*, S23245*, S29550*, S30477*, S32118*.
Identifiers: ClinVar variation 3899389 (VCV003899389.3).
Genomic context (GRCh38, chr2:178,543,620, plus strand): 5'-TTGACTGGAGCTCCACCATCAATCGTGGGAATTTCCCAAGTTATAGTCACAGAATCTCTT[G>T]ATACTTCCTTAACTTTCACTGAAGGACAGGGACCAGGAGTATCTGAAAAACAGAATGAAA-3'

ClinVar aggregate classification (germline): Likely pathogenic (1 of 4 stars; one submission).

Conditions:
Dilated cardiomyopathy 1G (CMD1G). Identifiers: Orphanet 154, MedGen C1858763, MONDO:0011400, OMIM 604145.

Submission:

Juno Genomics, Hangzhou Juno Genomics, Inc
Classification: Likely pathogenic for Dilated cardiomyopathy 1G. Review status: criteria provided, single submitter. Criteria: ACMG Guidelines, 2015. Collection method: clinical testing. Allele origin: germline.
Comment: Absent from controls (or at extremely low frequency if recessive) in Genome Aggregation Database.;Null variant in a gene where loss of function (LOF) is a known mechanism of disease.